The following is an entry in ClinVar:

NM_020461.4(TUBGCP6):c.3240C>T (p.His1080=)

Gene: TUBGCP6 (tubulin gamma complex component 6; minus strand). Cytogenetic location: 22q13.33.
Variant type: single nucleotide variant.
Coding change: c.3240C>T on transcript NM_020461.4 (MANE Select); coding-DNA position 3240, C replaced by T.
Protein change: p.His1080=; no amino-acid change (histidine 1080 retained).
Molecular consequence: synonymous variant.
Genome position (GRCh38, 1-based): chr22:50,221,119, G>A on the plus strand (C>T on the coding strand, the complement: TUBGCP6 is on the minus strand). VCF-style: chr22-50221119-G-A. GRCh37 (hg19) VCF-style: chr22-50659548-G-A.
Identifiers: ClinVar variation 739038 (VCV000739038.37), dbSNP rs145410588, ClinGen allele CA10308011.

ClinVar aggregate classification (germline): Benign/Likely benign. Review status: criteria provided, multiple submitters, no conflicts (2 of 4 stars). 4 submissions from 4 submitters: Benign (1); Likely benign (3). Last evaluated 2026-01-26.

Allele frequency attached by ClinVar (database versions not stated): gnomAD 0.00013 and 0.00027; ESP Exome Variant Server 0.00015; gnomAD exomes 0.00037 and 0.00067; ExAC 0.00070; 1000 Genomes Project 30x 0.00109; 1000 Genomes Project 0.00120.
gnomAD v4.1: 573 of 1,601,306 alleles (0.036%); highest among the groups gnomAD compares: South Asian, 0.47%; 6 homozygotes.

Submissions (4):

Labcorp Genetics (formerly Invitae), Labcorp
Classification: Benign. Last evaluated: 2026-01-26. Review status: criteria provided, single submitter. Criteria: Invitae Variant Classification Sherloc (09022015). Collection method: clinical testing. Allele origin: germline.

CeGaT Center for Human Genetics Tuebingen
Classification: Likely benign. Last evaluated: 2025-11-01. Review status: criteria provided, single submitter. Criteria: CeGaT Center For Human Genetics Tuebingen Variant Classification Criteria Version 2. Collection method: clinical testing. Allele origin: germline. Affected: yes. Observed: 4 variant alleles.
Comment: TUBGCP6: BP4, BP7

Blueprint Genetics
Classification: Likely benign. Last evaluated: 2024-10-09. Review status: criteria provided, single submitter. Criteria: ACMG Guidelines, 2015. Collection method: clinical testing. Allele origin: germline.

GeneDx
Classification: Likely benign. Last evaluated: 2020-12-17. Review status: criteria provided, single submitter. Criteria: GeneDx Variant Classification Process June 2021. Collection method: clinical testing. Allele origin: germline. Affected: yes.